The following is an entry in ClinVar:

ClinVar aggregate classification (germline): Uncertain significance. Review status: criteria provided, multiple submitters, no conflicts (2 of 4 stars). 2 submissions from 2 submitters: Uncertain significance (2). Last evaluated 2025-05-14.

Conditions:
Inborn genetic diseases. Identifiers: MedGen C0950123, MeSH D030342.

Allele frequency attached by ClinVar (database versions not stated): gnomAD exomes below 0.00001; ExAC 0.00001; gnomAD 0.00003; TOPMed 0.00007.
gnomAD v4.1: 11 of 1,609,428 alleles (0.00068%); highest among the groups gnomAD compares: African/African-American, 0.0054%; no homozygotes.

Submissions (2):

Ambry Genetics
Classification: Uncertain significance for Inborn genetic diseases. Last evaluated: 2025-05-14. Review status: criteria provided, single submitter. Criteria: Ambry Variant Classification Scheme 2023. Collection method: clinical testing. Allele origin: germline.

Labcorp Genetics (formerly Invitae), Labcorp
Classification: Uncertain significance. Last evaluated: 2024-02-23. Review status: criteria provided, single submitter. Criteria: Invitae Variant Classification Sherloc (09022015). Collection method: clinical testing. Allele origin: germline.
Comment: This sequence change replaces proline, which is neutral and non-polar, with alanine, which is neutral and non-polar, at codon 2027 of the VPS13A protein (p.Pro2027Ala). This variant is present in population databases (rs756646733, gnomAD 0.006%). This variant has not been reported in the literature in individuals affected with VPS13A-related conditions. ClinVar contains an entry for this variant (Variation ID: 2154283). Advanced modeling of protein sequence and biophysical properties (such as structural, functional, and spatial information, amino acid conservation, physicochemical variation, residue mobility, and thermodynamic stability) performed at Invitae indicates that this missense variant is not expected to disrupt VPS13A protein function with a negative predictive value of 80%. In summary, the available evidence is currently insufficient to determine the role of this variant in disease. Therefore, it has been classified as a Variant of Uncertain Significance.

NM_033305.3(VPS13A):c.6079C>G (p.Pro2027Ala)

Gene: VPS13A (vacuolar protein sorting 13 homolog A; plus strand). Cytogenetic location: 9q21.2.
Variant type: single nucleotide variant.
Coding change: c.6079C>G on transcript NM_033305.3 (MANE Select); coding-DNA position 6079, C replaced by G.
Protein change: p.Pro2027Ala; replaces proline 2027 with alanine.
Molecular consequence: missense variant.
Genome position (GRCh38, 1-based): chr9:77,332,097, C>G. VCF-style: chr9-77332097-C-G. GRCh37 (hg19) VCF-style: chr9-79947013-C-G.
Other names: c.5962C>G, p.Pro1988Ala (NM_001018037.2); c.6079C>G, p.Pro2027Ala (NM_001018038.3, NM_015186.4); c.6079C>G (NM_033305.2); short protein forms P2027A, P1988A.
Identifiers: ClinVar variation 2154283 (VCV002154283.6), dbSNP rs756646733, ClinGen allele CA5092935.
Genomic context (GRCh38, chr9:77,332,097, plus strand): 5'-TCTGTTTACGAAGGGGATACCTTATTGGGAACTGCCTCACCTGAAAATGAATTCAACATA[C>G]CATTAGGATCTTACCGGTATTTTGTCTTTATCATTTTATTTACTCTAAAATCTCTTGTAG-3'
Protein context (NP_150648.2, residues 2017-2037): TASPENEFNI[Pro2027Ala]LGSYRSFIFL